The following is an entry in ClinVar:

NM_000412.5(HRG):c.1191TGGACACCATCCCCA[1] (p.383GHHPH[4])

Gene: HRG (histidine rich glycoprotein; plus strand). Cytogenetic location: 3q27.3.
Variant type: Microsatellite.
Coding change: c.1191TGGACACCATCCCCA[1] on transcript NM_000412.5 (MANE Select); one copy of the 15-base unit TGGACACCATCCCCA starting at c.1191; the reference has two copies in a row; one copy, 15 bases deleted.
Protein change: p.383GHHPH[4].
Molecular consequence: inframe deletion.
Genome position (GRCh38, 1-based): chr3:186,677,511-186,677,525, TGGACACCATCCCCA deleted; deleting any 15 consecutive bases within chr3:186,677,491-186,677,525 gives the same sequence; the position shown is the placement nearest the transcript's 3' end. VCF-style (leftmost placement, unchanged base first): chr3-186677490-CCCCCATGGACACCAT-C. GRCh37 (hg19) VCF-style: chr3-186395279-CCCCCATGGACACCAT-C.
Identifiers: ClinVar variation 3234209 (VCV003234209.20), dbSNP rs748514609, ClinGen allele CA2745886.

ClinVar aggregate classification (germline): Likely benign (1 of 4 stars; one submission).

Submission:

CeGaT Center for Human Genetics Tuebingen
Classification: Likely benign. Last evaluated: 2026-03-01. Review status: criteria provided, single submitter. Criteria: CeGaT Center For Human Genetics Tuebingen Variant Classification Criteria Version 2. Collection method: clinical testing. Allele origin: germline. Affected: yes. Observed: 2 variant alleles.
Comment: HRG: BP3, BS2